The following is an entry in ClinVar:

ClinVar aggregate classification (germline): Uncertain significance. Review status: criteria provided, multiple submitters, no conflicts (2 of 4 stars). 3 submissions from 3 submitters: Uncertain significance (3). Last evaluated 2025-09-18.

Conditions:
Hereditary nonpolyposis colorectal neoplasms. Identifiers: MedGen C0009405, MeSH D003123.
Hereditary cancer-predisposing syndrome. Also called: Hereditary Cancer Syndrome; Tumor predisposition; Hereditary neoplastic syndrome; Neoplastic Syndromes, Hereditary. Identifiers: Orphanet 140162, MedGen C0027672, MeSH D009386, MONDO:0015356.

Submissions (3):

Color Diagnostics, LLC DBA Color Health
Classification: Uncertain significance for Hereditary cancer-predisposing syndrome. Last evaluated: 2025-09-18. Review status: criteria provided, single submitter. Criteria: ACMG Guidelines, 2015. Collection method: clinical testing. Allele origin: germline.
Comment: This missense variant replaces valine with leucine at codon 327 of the PMS2 protein. Computational prediction is inconclusive regarding the impact of this variant on protein structure and function. To our knowledge, functional studies have not been reported for this variant. This variant has not been reported in individuals affected with PMS2-related disorders in the literature. This variant has not been identified in the general population by the Genome Aggregation Database (gnomAD). The available evidence is insufficient to determine the role of this variant in disease conclusively. Therefore, this variant is classified as a Variant of Uncertain Significance.

Labcorp Genetics (formerly Invitae), Labcorp
Classification: Uncertain significance for Hereditary nonpolyposis colorectal neoplasms. Last evaluated: 2024-01-26. Review status: criteria provided, single submitter. Criteria: Invitae Variant Classification Sherloc (09022015). Collection method: clinical testing. Allele origin: germline.
Comment: This sequence change replaces valine, which is neutral and non-polar, with leucine, which is neutral and non-polar, at codon 327 of the PMS2 protein (p.Val327Leu). This variant is not present in population databases (gnomAD no frequency). This variant has not been reported in the literature in individuals affected with PMS2-related conditions. ClinVar contains an entry for this variant (Variation ID: 1047707). Advanced modeling of protein sequence and biophysical properties (such as structural, functional, and spatial information, amino acid conservation, physicochemical variation, residue mobility, and thermodynamic stability) performed at Invitae indicates that this missense variant is not expected to disrupt PMS2 protein function with a negative predictive value of 80%. In summary, the available evidence is currently insufficient to determine the role of this variant in disease. Therefore, it has been classified as a Variant of Uncertain Significance.

Ambry Genetics
Classification: Uncertain significance for Hereditary cancer-predisposing syndrome. Last evaluated: 2024-01-14. Review status: criteria provided, single submitter. Criteria: Ambry Variant Classification Scheme 2023. Collection method: clinical testing. Allele origin: germline.
Comment: The p.V327L variant (also known as c.979G>C), located in coding exon 9 of the PMS2 gene, results from a G to C substitution at nucleotide position 979. The valine at codon 327 is replaced by leucine, an amino acid with highly similar properties. This amino acid position is conserved. In addition, the in silico prediction for this alteration is inconclusive. Since supporting evidence is limited at this time, the clinical significance of this alteration remains unclear.

NM_000535.7(PMS2):c.979G>C (p.Val327Leu)

Gene: PMS2 (PMS1 homolog 2, mismatch repair system component; minus strand). Cytogenetic location: 7p22.1.
Variant type: single nucleotide variant.
Coding change: c.979G>C on transcript NM_000535.7 (MANE Select); coding-DNA position 979, G replaced by C.
Protein change: p.Val327Leu; replaces valine 327 with leucine.
Molecular consequence: missense variant. On other transcripts: non-coding transcript variant (1).
Genome position (GRCh38, 1-based): chr7:5,991,982, C>G on the plus strand (G>C on the coding strand, the complement: PMS2 is on the minus strand). VCF-style: chr7-5991982-C-G. GRCh37 (hg19) VCF-style: chr7-6031613-C-G.
Other names: c.574G>C, p.Val192Leu (NM_001322003.2, NM_001322004.2, NM_001322005.2 and 2 more transcripts); c.979G>C, p.Val327Leu (NM_001322006.2, NM_001322014.2); c.661G>C, p.Val221Leu (NM_001322007.2, NM_001322008.2); c.46G>C, p.Val16Leu (NM_001322011.2, NM_001322012.2); c.406G>C, p.Val136Leu (NM_001322013.2); c.670G>C, p.Val224Leu (NM_001322015.2); c.979G>C (NM_000535.5); short protein forms V16L, V327L, V192L, V221L, V224L, V136L.
Identifiers: ClinVar variation 1047707 (VCV001047707.10), dbSNP rs1257825900, ClinGen allele CA366743074.